The following is an entry in ClinVar:

NM_000455.5(STK11):c.20A>G (p.Gln7Arg)

Gene: STK11 (serine/threonine kinase 11; plus strand). Cytogenetic location: 19p13.3.
Variant type: single nucleotide variant.
Coding change: c.20A>G on transcript NM_000455.5 (MANE Select); coding-DNA position 20, A replaced by G.
Protein change: p.Gln7Arg; replaces glutamine 7 with arginine.
Molecular consequence: missense variant.
Genome position (GRCh38, 1-based): chr19:1,206,933, A>G. VCF-style: chr19-1206933-A-G. GRCh37 (hg19) VCF-style: chr19-1206932-A-G.
Other names: short protein forms Q7R.
Identifiers: ClinVar variation 1516716 (VCV001516716.8), dbSNP rs2145404457, ClinGen allele CA402943055.

ClinVar aggregate classification (germline): Uncertain significance (1 of 4 stars; one submission).

Conditions:
Peutz-Jeghers syndrome (PJS). Also called: Peutz-Jeghers polyposis; Periorificial lentiginosis syndrome; POLYPOSIS, HAMARTOMATOUS INTESTINAL; POLYPS-AND-SPOTS SYNDROME. Identifiers: Orphanet 2869, MedGen C0031269, MeSH D010580, MONDO:0008280, OMIM 175200.

Submission:

Labcorp Genetics (formerly Invitae), Labcorp
Classification: Uncertain significance for Peutz-Jeghers syndrome. Last evaluated: 2021-12-23. Review status: criteria provided, single submitter. Criteria: Invitae Variant Classification Sherloc (09022015). Collection method: clinical testing. Allele origin: germline.
Comment: This sequence change replaces glutamine, which is neutral and polar, with arginine, which is basic and polar, at codon 7 of the STK11 protein (p.Gln7Arg). This variant is not present in population databases (gnomAD no frequency). This variant has not been reported in the literature in individuals affected with STK11-related conditions. Advanced modeling of protein sequence and biophysical properties (such as structural, functional, and spatial information, amino acid conservation, physicochemical variation, residue mobility, and thermodynamic stability) performed at Invitae indicates that this missense variant is not expected to disrupt STK11 protein function. In summary, the available evidence is currently insufficient to determine the role of this variant in disease. Therefore, it has been classified as a Variant of Uncertain Significance.